The following is an entry in ClinVar:

NM_144596.4(TTC8):c.384G>C (p.Gln128His)

Gene: TTC8 (tetratricopeptide repeat domain 8; plus strand). Cytogenetic location: 14q31.3.
Variant type: single nucleotide variant.
Coding change: c.384G>C on transcript NM_144596.4 (MANE Select); coding-DNA position 384, G replaced by C.
Protein change: p.Gln128His; replaces glutamine 128 with histidine.
Molecular consequence: missense variant. On other transcripts: 5 prime UTR variant (2), non-coding transcript variant (1).
Genome position (GRCh38, 1-based): chr14:88,841,091, G>C. VCF-style: chr14-88841091-G-C. GRCh37 (hg19) VCF-style: chr14-89307435-G-C.
Other names: c.354G>C, p.Gln118His (NM_001288781.1, NM_001366535.2, NM_001366536.2 and 2 more transcripts); c.-209G>C (NM_001288782.1); c.-304G>C (NM_001288783.1); short protein forms Q118H, Q128H.
Identifiers: ClinVar variation 1715046 (VCV001715046.5), dbSNP rs2546169101, ClinGen allele CA390574346.
Genomic context (GRCh38, chr14:88,841,091, plus strand): 5'-TCACAGGCCAATCACACAAGCTGGAAGACCCATTACAGGTTTCCTCAGGCCCAGCACGCA[G>C]AGTGGAAGGCCAGGCACTATGGAACAGGCTATCAGAACACCCAGAACCGCCTACACAGCC-3'
Protein context (NP_653197.2, residues 118-138): PITGFLRPST[Gln128His]SGRPGTMEQA

ClinVar aggregate classification (germline): Uncertain significance (1 of 4 stars; one submission).

Conditions:
Bardet-Biedl syndrome (BBS). Identifiers: Orphanet 110, MedGen C0752166, MONDO:0015229.

Submission:

Labcorp Genetics (formerly Invitae), Labcorp
Classification: Uncertain significance for Bardet-Biedl syndrome. Last evaluated: 2022-09-13. Review status: criteria provided, single submitter. Criteria: Invitae Variant Classification Sherloc (09022015). Collection method: clinical testing. Allele origin: germline.
Comment: In summary, the available evidence is currently insufficient to determine the role of this variant in disease. Therefore, it has been classified as a Variant of Uncertain Significance. Advanced modeling of protein sequence and biophysical properties (such as structural, functional, and spatial information, amino acid conservation, physicochemical variation, residue mobility, and thermodynamic stability) performed at Invitae indicates that this missense variant is not expected to disrupt TTC8 protein function. This variant has not been reported in the literature in individuals affected with TTC8-related conditions. This variant is not present in population databases (gnomAD no frequency). This sequence change replaces glutamine, which is neutral and polar, with histidine, which is basic and polar, at codon 118 of the TTC8 protein (p.Gln118His).